The following is an entry in ClinVar:

ClinVar aggregate classification (germline): Uncertain significance (1 of 4 stars; one submission).

Allele frequency attached by ClinVar (database versions not stated): gnomAD exomes below 0.00001.
gnomAD v4.1: 2 of 1,613,724 alleles (0.00012%); highest among the groups gnomAD compares: Non-Finnish European, 0.00017%; no homozygotes.

Submission:

Labcorp Genetics (formerly Invitae), Labcorp
Classification: Uncertain significance. Last evaluated: 2022-04-07. Review status: criteria provided, single submitter. Criteria: Invitae Variant Classification Sherloc (09022015). Collection method: clinical testing. Allele origin: germline.
Comment: This sequence change replaces isoleucine, which is neutral and non-polar, with asparagine, which is neutral and polar, at codon 2046 of the CDH23 protein (p.Ile2046Asn). This variant is not present in population databases (gnomAD no frequency). This variant has not been reported in the literature in individuals affected with CDH23-related conditions. Algorithms developed to predict the effect of missense changes on protein structure and function are either unavailable or do not agree on the potential impact of this missense change (SIFT: "Deleterious"; PolyPhen-2: "Not Available"; Align-GVGD: "Class C0"). In summary, the available evidence is currently insufficient to determine the role of this variant in disease. Therefore, it has been classified as a Variant of Uncertain Significance.

NM_022124.6(CDH23):c.6137T>A (p.Ile2046Asn)

Gene: CDH23 (cadherin related 23; plus strand). Cytogenetic location: 10q22.1.
Variant type: single nucleotide variant.
Coding change: c.6137T>A on transcript NM_022124.6 (MANE Select); coding-DNA position 6137, T replaced by A.
Protein change: p.Ile2046Asn; replaces isoleucine 2046 with asparagine.
Molecular consequence: missense variant.
Genome position (GRCh38, 1-based): chr10:71,791,219, T>A. VCF-style: chr10-71791219-T-A. GRCh37 (hg19) VCF-style: chr10-73550976-T-A.
Other names: short protein forms I2046N.
Identifiers: ClinVar variation 2122779 (VCV002122779.1), dbSNP rs2494377602, ClinGen allele CA377152570.